The following is an entry in ClinVar:

NM_001136193.2(FASTKD2):c.527C>T (p.Ala176Val)

Gene: FASTKD2 (FAST kinase domains 2; plus strand). Cytogenetic location: 2q33.3.
Variant type: single nucleotide variant.
Coding change: c.527C>T on transcript NM_001136193.2 (MANE Select); coding-DNA position 527, C replaced by T.
Protein change: p.Ala176Val; replaces alanine 176 with valine.
Molecular consequence: missense variant.
Genome position (GRCh38, 1-based): chr2:206,767,220, C>T. VCF-style: chr2-206767220-C-T. GRCh37 (hg19) VCF-style: chr2-207631944-C-T.
Other names: p.Ala176Val; c.527C>T, p.Ala176Val (NM_001136194.2, NM_014929.4); short protein forms A176V.
Identifiers: ClinVar variation 333802 (VCV000333802.14), dbSNP rs367909050, ClinGen allele CA2074894.

ClinVar aggregate classification (germline): Uncertain significance. Review status: criteria provided, multiple submitters, no conflicts (2 of 4 stars). 5 submissions from 5 submitters: Uncertain significance (5). Last evaluated 2026-01-19.

Conditions:
Combined oxidative phosphorylation deficiency 44. Also called: FASTKD2-Related Combined Oxidative Phosphorylation Deficiency. Identifiers: MedGen C5394293, MONDO:0030020, OMIM 618855.
Mitochondrial complex IV deficiency, nuclear type 1 (MC4DN1). Also called: COX DEFICIENCY; Mitochondrial complex IV deficiency; Complex 4 mitochondrial respiratory chain deficiency; Deficiency of mitochondrial respiratory chain complex4; Complex IV deficiency. Identifiers: MedGen C5435656, MONDO:0700250, OMIM 220110. Disease mechanism: loss of function.

Allele frequency attached by ClinVar (database versions not stated): gnomAD 0.00003; gnomAD exomes 0.00003 and 0.00006; ExAC 0.00004; TOPMed 0.00010; 1000 Genomes Project 30x 0.00016; 1000 Genomes Project 0.00020.

Submissions (5):

Labcorp Genetics (formerly Invitae), Labcorp
Classification: Uncertain significance. Last evaluated: 2026-01-19. Review status: criteria provided, single submitter. Criteria: Invitae Variant Classification Sherloc (09022015). Collection method: clinical testing. Allele origin: germline.
Comment: This sequence change replaces alanine, which is neutral and non-polar, with valine, which is neutral and non-polar, at codon 176 of the FASTKD2 protein (p.Ala176Val). This variant is present in population databases (rs367909050, gnomAD 0.05%). This variant has not been reported in the literature in individuals affected with FASTKD2-related conditions. ClinVar contains an entry for this variant (Variation ID: 333802). Invitae Evidence Modeling of protein sequence and biophysical properties (such as structural, functional, and spatial information, amino acid conservation, physicochemical variation, residue mobility, and thermodynamic stability) indicates that this missense variant is expected to disrupt FASTKD2 protein function with a positive predictive value of 80%. In summary, the available evidence is currently insufficient to determine the role of this variant in disease. Therefore, it has been classified as a Variant of Uncertain Significance.

Fulgent Genetics
Classification: Uncertain significance for Combined oxidative phosphorylation deficiency 44. Last evaluated: 2024-05-10. Review status: criteria provided, single submitter. Criteria: ACMG Guidelines, 2015. Collection method: clinical testing. Allele origin: germline.

Mayo Clinic Laboratories, Mayo Clinic
Classification: Uncertain significance. Last evaluated: 2023-06-13. Review status: criteria provided, single submitter. Criteria: ACMG Guidelines, 2015. Collection method: clinical testing. Allele origin: germline. Observed: 1 variant allele.
Comment: BP4, PM2_moderate

GeneDx
Classification: Uncertain significance. Last evaluated: 2019-11-22. Review status: criteria provided, single submitter. Criteria: GeneDx Variant Classification Process June 2021. Collection method: clinical testing. Allele origin: germline. Affected: yes.
Comment: In silico analysis supports that this missense variant does not alter protein structure/function; Has not been previously published as pathogenic or benign to our knowledge

Illumina Laboratory Services, Illumina
Classification: Uncertain significance for Mitochondrial complex IV deficiency, nuclear type 1. Last evaluated: 2018-01-12. Review status: criteria provided, single submitter. Criteria: ICSL Variant Classification Criteria 13 December 2019. Collection method: clinical testing. Allele origin: germline.

Literature cited by the submitters: PubMed 34277355 (cited by Mayo Clinic Laboratories, Mayo Clinic).